The following is an entry in ClinVar:

NM_002473.6(MYH9):c.3904G>T (p.Asp1302Tyr)

Gene: MYH9 (myosin heavy chain 9; minus strand). Cytogenetic location: 22q12.3.
Variant type: single nucleotide variant.
Coding change: c.3904G>T on transcript NM_002473.6 (MANE Select); coding-DNA position 3904, G replaced by T.
Protein change: p.Asp1302Tyr; replaces aspartic acid 1302 with tyrosine.
Molecular consequence: missense variant.
Genome position (GRCh38, 1-based): chr22:36,293,797, C>A on the plus strand (G>T on the coding strand, the complement: MYH9 is on the minus strand). VCF-style: chr22-36293797-C-A. GRCh37 (hg19) VCF-style: chr22-36689843-C-A.
Other names: short protein forms D1302Y.
Identifiers: ClinVar variation 2797707 (VCV002797707.3), dbSNP rs951591806, ClinGen allele CA323591216.
Genomic context (GRCh38, chr22:36,293,797, plus strand): 5'-GGGAACCTGGCGCCACCCCTACCTGAGTGTCCTGCAGCTGGGACTCCAGCGCGGAGAAGT[C>A]CTTGGTGAGCTTGCTGGACTTGCTGTCGGACTGGCTGAGAAGCCCGGTCACGTTGTCCAG-3'
Protein context (NP_002464.1, residues 1292-1312): SDSKSSKLTK[Asp1302Tyr]FSALESQLQD

ClinVar aggregate classification (germline): Uncertain significance (1 of 4 stars; one submission).

Allele frequency attached by ClinVar (database versions not stated): gnomAD exomes below 0.00001; gnomAD 0.00001; TOPMed 0.00001.
gnomAD v4.1: 2 of 1,613,836 alleles (0.00012%); highest among the groups gnomAD compares: Non-Finnish European, 0.00017%; no homozygotes.

Submission:

Labcorp Genetics (formerly Invitae), Labcorp
Classification: Uncertain significance. Last evaluated: 2023-06-23. Review status: criteria provided, single submitter. Criteria: Invitae Variant Classification Sherloc (09022015). Collection method: clinical testing. Allele origin: germline.
Comment: Advanced modeling of protein sequence and biophysical properties (such as structural, functional, and spatial information, amino acid conservation, physicochemical variation, residue mobility, and thermodynamic stability) performed at Invitae indicates that this missense variant is not expected to disrupt MYH9 protein function. In summary, the available evidence is currently insufficient to determine the role of this variant in disease. Therefore, it has been classified as a Variant of Uncertain Significance. This variant has not been reported in the literature in individuals affected with MYH9-related conditions. This variant is not present in population databases (gnomAD no frequency). This sequence change replaces aspartic acid, which is acidic and polar, with tyrosine, which is neutral and polar, at codon 1302 of the MYH9 protein (p.Asp1302Tyr).